The following is an entry in ClinVar:

ClinVar aggregate classification (germline): Uncertain significance (1 of 4 stars; one submission).

Conditions:
Charcot-Marie-Tooth disease type 2. Also called: Charcot-Marie-Tooth type 2. Identifiers: Orphanet 64746, MedGen C0270914, MONDO:0018993.

Submission:

Labcorp Genetics (formerly Invitae), Labcorp
Classification: Uncertain significance for Charcot-Marie-Tooth disease type 2. Last evaluated: 2025-03-31. Review status: criteria provided, single submitter. Criteria: Invitae Variant Classification Sherloc (09022015). Collection method: clinical testing. Allele origin: germline.
Comment: This sequence change replaces alanine, which is neutral and non-polar, with valine, which is neutral and non-polar, at codon 660 of the MFN2 protein (p.Ala660Val). This variant is not present in population databases (gnomAD no frequency). This variant has not been reported in the literature in individuals affected with MFN2-related conditions. ClinVar contains an entry for this variant (Variation ID: 408323). Invitae Evidence Modeling of protein sequence and biophysical properties (such as structural, functional, and spatial information, amino acid conservation, physicochemical variation, residue mobility, and thermodynamic stability) has been performed for this missense variant. However, the output from this modeling did not meet the statistical confidence thresholds required to predict the impact of this variant on MFN2 protein function. In summary, the available evidence is currently insufficient to determine the role of this variant in disease. Therefore, it has been classified as a Variant of Uncertain Significance.

NM_014874.4(MFN2):c.1979C>T (p.Ala660Val)

Gene: MFN2 (mitofusin 2; plus strand). Cytogenetic location: 1p36.22.
Variant type: single nucleotide variant.
Coding change: c.1979C>T on transcript NM_014874.4 (MANE Select); coding-DNA position 1979, C replaced by T.
Protein change: p.Ala660Val; replaces alanine 660 with valine.
Molecular consequence: missense variant.
Genome position (GRCh38, 1-based): chr1:12,007,159, C>T. VCF-style: chr1-12007159-C-T. GRCh37 (hg19) VCF-style: chr1-12067216-C-T.
Other names: c.1979C>T, p.Ala660Val (NM_001127660.2); short protein forms A660V.
Identifiers: ClinVar variation 408323 (VCV000408323.11), dbSNP rs377090439, ClinGen allele CA16609872.